The following is an entry in ClinVar:

NM_004035.7(ACOX1):c.68T>C (p.Leu23Pro)

Gene: ACOX1 (acyl-CoA oxidase 1; minus strand). Cytogenetic location: 17q25.1.
Variant type: single nucleotide variant.
Coding change: c.68T>C on transcript NM_004035.7 (MANE Select); coding-DNA position 68, T replaced by C.
Protein change: p.Leu23Pro; replaces leucine 23 with proline.
Molecular consequence: missense variant. On other transcripts: 5 prime UTR variant (1).
Genome position (GRCh38, 1-based): chr17:75,979,006, A>G on the plus strand (T>C on the coding strand, the complement: ACOX1 is on the minus strand). VCF-style: chr17-75979006-A-G. GRCh37 (hg19) VCF-style: chr17-73975087-A-G.
Other names: c.-221T>C (NM_001185039.2); c.68T>C, p.Leu23Pro (NM_007292.6); short protein forms L23P.
Identifiers: ClinVar variation 2090963 (VCV002090963.4), dbSNP rs2546098761, ClinGen allele CA401084722.

ClinVar aggregate classification (germline): Uncertain significance (1 of 4 stars; one submission).

Conditions:
Acyl-CoA oxidase deficiency. Also called: STRAIGHT-CHAIN ACYL-CoA OXIDASE DEFICIENCY; Peroxisomal acyl-CoA oxidase deficiency; Pseudoneonatal adrenoleukodystrophy. Identifiers: Orphanet 2971, MedGen C1849678, MONDO:0009919, OMIM 264470. Disease mechanism: loss of function.

Submission:

Labcorp Genetics (formerly Invitae), Labcorp
Classification: Uncertain significance for Acyl-CoA oxidase deficiency. Last evaluated: 2022-01-28. Review status: criteria provided, single submitter. Criteria: Invitae Variant Classification Sherloc (09022015). Collection method: clinical testing. Allele origin: germline.
Comment: In summary, the available evidence is currently insufficient to determine the role of this variant in disease. Therefore, it has been classified as a Variant of Uncertain Significance. Algorithms developed to predict the effect of missense changes on protein structure and function are either unavailable or do not agree on the potential impact of this missense change (SIFT: "Deleterious"; PolyPhen-2: "Probably Damaging"; Align-GVGD: "Class C0"). This variant has not been reported in the literature in individuals affected with ACOX1-related conditions. This variant is not present in population databases (gnomAD no frequency). This sequence change replaces leucine, which is neutral and non-polar, with proline, which is neutral and non-polar, at codon 23 of the ACOX1 protein (p.Leu23Pro).